The following is an entry in ClinVar:

ClinVar aggregate classification (germline): Likely pathogenic (1 of 4 stars; one submission).

Submission:

GeneDx
Classification: Likely pathogenic. Last evaluated: 2023-06-27. Review status: criteria provided, single submitter. Criteria: GeneDx Variant Classification Process June 2021. Collection method: clinical testing. Allele origin: germline. Affected: yes.
Comment: Not observed at significant frequency in large population cohorts (gnomAD); Missense variants in this gene are often considered pathogenic (HGMD); In silico analysis supports that this missense variant has a deleterious effect on protein structure/function; This substitution is predicted to be within the extracellular loop between the S5 and S6 transmembrane segments of the fourth homologous domain; Has not been previously published as pathogenic or benign to our knowledge

NM_001165963.4(SCN1A):c.5279C>G (p.Ser1760Cys)

Genes: SCN1A (sodium voltage-gated channel alpha subunit 1; minus strand), LOC102724058 (uncharacterized LOC102724058; plus strand). Cytogenetic location: 2q24.3.
Variant type: single nucleotide variant.
Coding change: c.5279C>G on transcript NM_001165963.4 (MANE Select); coding-DNA position 5279, C replaced by G.
Protein change: p.Ser1760Cys; replaces serine 1760 with cysteine.
Molecular consequence: missense variant. On other transcripts: non-coding transcript variant (1).
Genome position (GRCh38, 1-based): chr2:165,991,996, G>C on the plus strand (C>G on the coding strand, the complement: SCN1A is on the minus strand). VCF-style: chr2-165991996-G-C. GRCh37 (hg19) VCF-style: chr2-166848506-G-C.
Other names: c.5195C>G, p.Ser1732Cys (NM_001165964.3, NM_001353957.2, NM_001353958.2); c.5279C>G, p.Ser1760Cys (NM_001202435.3, NM_001353948.2); c.5246C>G, p.Ser1749Cys (NM_001353949.2, NM_001353950.2, NM_001353951.2 and 2 more transcripts); c.5243C>G, p.Ser1748Cys (NM_001353954.2, NM_001353955.2); c.5192C>G, p.Ser1731Cys (NM_001353960.2); c.2837C>G, p.Ser946Cys (NM_001353961.2); short protein forms S1731C, S1732C, S1748C, S1749C, S1760C, S946C.
Identifiers: ClinVar variation 3340700 (VCV003340700.1).